The following is an entry in ClinVar:

NM_000666.3(ACY1):c.1132C>T (p.Arg378Trp)

Genes: ACY1 (aminoacylase 1; plus strand), ABHD14A-ACY1 (ABHD14A-ACY1 readthrough; plus strand). Cytogenetic location: 3p21.2.
Variant type: single nucleotide variant.
Coding change: c.1132C>T on transcript NM_000666.3 (MANE Select); coding-DNA position 1132, C replaced by T.
Protein change: p.Arg378Trp; replaces arginine 378 with tryptophan.
Molecular consequence: missense variant.
Genome position (GRCh38, 1-based): chr3:51,988,980, C>T. VCF-style: chr3-51988980-C-T. GRCh37 (hg19) VCF-style: chr3-52022996-C-T.
Other names: c.1402C>T, p.Arg468Trp (NM_001316331.2); c.1132C>T, p.Arg378Trp (NM_001198895.2); c.916C>T, p.Arg306Trp (NM_001198896.2); c.937C>T, p.Arg313Trp (NM_001198897.2); c.1027C>T, p.Arg343Trp (NM_001198898.2); short protein forms R378W, R468W, R313W, R343W, R306W.
Identifiers: ClinVar variation 493363 (VCV000493363.48), dbSNP rs148346337, ClinGen allele CA2428769.

ClinVar aggregate classification (germline): Conflicting classifications of pathogenicity. Review status: criteria provided, conflicting classifications (1 of 4 stars). 4 submissions from 4 submitters: Likely pathogenic (1); Uncertain significance (3). Last evaluated 2026-03-13.

Conditions:
Aminoacylase 1 deficiency. Also called: Neurological conditions associated with aminoacylase 1 deficiency. Identifiers: Orphanet 137754, MedGen C1835922, MONDO:0012368, OMIM 609924.

Allele frequency attached by ClinVar (database versions not stated): ExAC 0.00001; gnomAD exomes 0.00001 and 0.00002; gnomAD 0.00002; TOPMed 0.00002; ESP Exome Variant Server 0.00015.
gnomAD v4.1: 31 of 1,614,072 alleles (0.0019%); highest among the groups gnomAD compares: Middle Eastern, 0.18%; no homozygotes.

Submissions (4):

Women's Health and Genetics/Laboratory Corporation of America, LabCorp
Classification: Uncertain significance. Last evaluated: 2026-03-13. Review status: criteria provided, single submitter. Criteria: LabCorp Variant Classification Summary - May 2015. Collection method: clinical testing. Allele origin: germline.
Comment: Variant summary: ACY1 c.1132C>T (p.Arg378Trp) results in a non-conservative amino acid change in the encoded protein sequence. Algorithms developed to predict the effect of missense changes on protein structure and function are either unavailable or do not agree on the potential impact of this missense change. The variant allele was found at a frequency of 8e-06 in 251428 control chromosomes. c.1132C>T has been observed in the homozygous state in an individual affected with Aminoacylase 1 Deficiency (Sommer_2011). These data indicate that the variant may be associated with disease. At least one publication reports experimental evidence evaluating an impact on protein function. The most pronounced variant effect resulted in approximately 50% of wild type enzyme activity in vitro (Sommer_2011). The following publication has been ascertained in the context of this evaluation (PMID: 21414403). ClinVar contains an entry for this variant (Variation ID: 493363). Based on the evidence outlined above, the variant was classified as VUS-possibly pathogenic.

GeneDx
Classification: Likely pathogenic. Last evaluated: 2021-05-18. Review status: criteria provided, single submitter. Criteria: GeneDx Variant Classification Process June 2021. Collection method: clinical testing. Allele origin: germline. Affected: yes.
Comment: Published functional studies demonstrate a damaging effect on protein expression and enzymatic activity (Sommer et al., 2011); Not observed at a significant frequency in large population cohorts (Lek et al., 2016); In silico analysis supports that this missense variant does not alter protein structure/function; This variant is associated with the following publications: (PMID: 29653693, 21414403)

Baylor Genetics
Classification: Uncertain significance for Aminoacylase 1 deficiency. Last evaluated: 2019-08-27. Review status: criteria provided, single submitter. Criteria: ACMG Guidelines, 2015. Collection method: clinical testing. Allele origin: unknown. Affected: yes.
Comment: This variant was determined to be of uncertain significance according to ACMG Guidelines, 2015 [PMID:25741868].

CeGaT Center for Human Genetics Tuebingen
Classification: Uncertain significance. Last evaluated: 2018-02-01. Review status: criteria provided, single submitter. Criteria: CeGaT Center For Human Genetics Tuebingen Variant Classification Criteria Version 2. Collection method: clinical testing. Allele origin: germline. Affected: yes. Observed: 1 variant allele.

Literature cited by the submitters: PubMed 21414403 (cited by Women's Health and Genetics/Laboratory Corporation of America, LabCorp).